The following is an entry in ClinVar:

ClinVar aggregate classification (germline): Uncertain significance. Review status: criteria provided, multiple submitters, no conflicts (2 of 4 stars). 2 submissions from 2 submitters: Uncertain significance (2). Last evaluated 2022-03-16.

Conditions:
Axenfeld-Rieger syndrome type 3 (RIEG3). Also called: AXENFELD-RIEGER ANOMALY WITH CARDIAC DEFECTS AND/OR SENSORINEURAL HEARING LOSS. Identifiers: Orphanet 782, MedGen C2678503, MONDO:0011233, OMIM 602482.
Inborn genetic diseases. Identifiers: MedGen C0950123, MeSH D030342.

Allele frequency attached by ClinVar (database versions not stated): TOPMed below 0.00001.

Submissions (2):

Ambry Genetics
Classification: Uncertain significance for Inborn genetic diseases. Last evaluated: 2022-03-16. Review status: criteria provided, single submitter. Criteria: Ambry Variant Classification Scheme 2023. Collection method: clinical testing. Allele origin: germline.

Labcorp Genetics (formerly Invitae), Labcorp
Classification: Uncertain significance for Axenfeld-Rieger syndrome type 3. Last evaluated: 2021-02-13. Review status: criteria provided, single submitter. Criteria: Invitae Variant Classification Sherloc (09022015). Collection method: clinical testing. Allele origin: germline.
Comment: The frequency data for this variant in the population databases is considered unreliable, as metrics indicate insufficient coverage at this position in the ExAC database. In summary, the available evidence is currently insufficient to determine the role of this variant in disease. Therefore, it has been classified as a Variant of Uncertain Significance. Algorithms developed to predict the effect of missense changes on protein structure and function are either unavailable or do not agree on the potential impact of this missense change (SIFT: "Deleterious"; PolyPhen-2: "Benign"; Align-GVGD: "Class C0"). This variant has not been reported in the literature in individuals with FOXC1-related conditions. This sequence change replaces proline with glutamine at codon 216 of the FOXC1 protein (p.Pro216Gln). The proline residue is highly conserved and there is a moderate physicochemical difference between proline and glutamine.

NM_001453.3(FOXC1):c.647C>A (p.Pro216Gln)

Gene: FOXC1 (forkhead box C1; plus strand). Cytogenetic location: 6p25.3.
Variant type: single nucleotide variant.
Coding change: c.647C>A on transcript NM_001453.3 (MANE Select); coding-DNA position 647, C replaced by A.
Protein change: p.Pro216Gln; replaces proline 216 with glutamine.
Molecular consequence: missense variant.
Genome position (GRCh38, 1-based): chr6:1,611,092, C>A. VCF-style: chr6-1611092-C-A. GRCh37 (hg19) VCF-style: chr6-1611327-C-A.
Other names: c.647C>A (NM_001453.2); short protein forms P216Q.
Identifiers: ClinVar variation 1509599 (VCV001509599.9), dbSNP rs1762532606, ClinGen allele CA362559277.
Genomic context (GRCh38, chr6:1,611,092, plus strand): 5'-CGCCCGGCCGCCAGCCCCCGCCCGCGCCGCCGGAGCAGGCCGACGGCAACGCGCCCGGTC[C>A]GCAGCCGCCGCCCGTGCGCATCCAGGACATCAAGACCGAGAACGGTACGTGCCCCTCGCC-3'
Protein context (NP_001444.2, residues 206-226): PEQADGNAPG[Pro216Gln]QPPPVRIQDI